The following is an entry in ClinVar:

ClinVar aggregate classification (germline): Uncertain significance (1 of 4 stars; one submission).

Conditions:
Hereditary pancreatitis (PCTT). Also called: Hereditary chronic pancreatitis; PRSS1-Related Hereditary Pancreatitis. Identifiers: Orphanet 676, MedGen C0238339, MONDO:0008185, OMIM 167800.

Submission:

Ambry Genetics
Classification: Uncertain significance for Hereditary pancreatitis. Last evaluated: 2025-09-11. Review status: criteria provided, single submitter. Criteria: Ambry Variant Classification Scheme 2023. Collection method: clinical testing. Allele origin: germline.
Comment: The p.Q175H variant (also known as c.525G>C), located in coding exon 6 of the CTRC gene, results from a G to C substitution at nucleotide position 525. The glutamine at codon 175 is replaced by histidine, an amino acid with highly similar properties. This amino acid position is conserved. In addition, the in silico prediction for this alteration is inconclusive. Based on the available evidence, the clinical significance of this variant remains unclear.

NM_007272.3(CTRC):c.525G>C (p.Gln175His)

Gene: CTRC (chymotrypsin C; plus strand). Cytogenetic location: 1p36.21.
Variant type: single nucleotide variant.
Coding change: c.525G>C on transcript NM_007272.3 (MANE Select); coding-DNA position 525, G replaced by C.
Protein change: p.Gln175His; replaces glutamine 175 with histidine.
Molecular consequence: missense variant.
Genome position (GRCh38, 1-based): chr1:15,444,637, G>C. VCF-style: chr1-15444637-G-C. GRCh37 (hg19) VCF-style: chr1-15771132-G-C.
Other names: short protein forms Q175H.
Identifiers: ClinVar variation 4235808 (VCV004235808.1).